The following is an entry in ClinVar:

ClinVar aggregate classification (germline): Uncertain significance. Review status: criteria provided, multiple submitters, no conflicts (2 of 4 stars). 6 submissions from 5 submitters: Uncertain significance (6). Last evaluated 2026-01-21.

Conditions:
Age related macular degeneration 6. Identifiers: MedGen C3151060, MONDO:0013406, OMIM 613757.
Cone-rod dystrophy 11 (CORD11). Identifiers: Orphanet 1872, MedGen C1835865, MONDO:0012483, OMIM 610381.

Allele frequency attached by ClinVar (database versions not stated): gnomAD exomes 0.00005 and 0.00008; TOPMed 0.00006; gnomAD 0.00007.
gnomAD v4.1: 126 of 1,528,826 alleles (0.0082%); highest among the groups gnomAD compares: African/African-American, 0.0097%; no homozygotes.

Submissions (6):

Labcorp Genetics (formerly Invitae), Labcorp
Classification: Uncertain significance. Last evaluated: 2026-01-21. Review status: criteria provided, single submitter. Criteria: Invitae Variant Classification Sherloc (09022015). Collection method: clinical testing. Allele origin: germline.
Comment: This sequence change replaces proline, which is neutral and non-polar, with leucine, which is neutral and non-polar, at codon 138 of the RAX2 protein (p.Pro138Leu). This variant is present in population databases (no rsID available, gnomAD 0.02%). This variant has not been reported in the literature in individuals affected with RAX2-related conditions. ClinVar contains an entry for this variant (Variation ID: 889122). An algorithm developed to predict the effect of missense changes on protein structure and function (PolyPhen-2) suggests that this variant is likely to be tolerated. In summary, the available evidence is currently insufficient to determine the role of this variant in disease. Therefore, it has been classified as a Variant of Uncertain Significance.

Ambry Genetics
Classification: Uncertain significance. Last evaluated: 2022-04-12. Review status: criteria provided, single submitter. Criteria: Ambry Variant Classification Scheme 2023. Collection method: clinical testing. Allele origin: germline.

Blueprint Genetics
Classification: Uncertain significance. Last evaluated: 2021-09-22. Review status: criteria provided, single submitter. Criteria: ACMG Guidelines, 2015. Collection method: clinical testing. Allele origin: germline.

GeneDx
Classification: Uncertain significance. Last evaluated: 2019-07-05. Review status: criteria provided, single submitter. Criteria: GeneDx Variant Classification Process June 2021. Collection method: clinical testing. Allele origin: germline. Affected: yes.
Comment: In silico analysis, which includes protein predictors and evolutionary conservation, supports a deleterious effect; Has not been previously published as pathogenic or benign to our knowledge

Illumina Laboratory Services, Illumina
Classification: Uncertain significance for Age related macular degeneration 6. Last evaluated: 2018-01-13. Review status: criteria provided, single submitter. Criteria: ICSL Variant Classification Criteria 13 December 2019. Collection method: clinical testing. Allele origin: germline.

Illumina Laboratory Services, Illumina
Classification: Uncertain significance for Cone-rod dystrophy 11. Last evaluated: 2018-01-13. Review status: criteria provided, single submitter. Criteria: ICSL Variant Classification Criteria 13 December 2019. Collection method: clinical testing. Allele origin: germline.

NM_001319074.4(RAX2):c.413C>T (p.Pro138Leu)

Gene: RAX2 (retina and anterior neural fold homeobox 2; minus strand). Cytogenetic location: 19p13.3.
Variant type: single nucleotide variant.
Coding change: c.413C>T on transcript NM_001319074.4 (MANE Select); coding-DNA position 413, C replaced by T.
Protein change: p.Pro138Leu; replaces proline 138 with leucine.
Molecular consequence: missense variant.
Genome position (GRCh38, 1-based): chr19:3,770,763, G>A on the plus strand (C>T on the coding strand, the complement: RAX2 is on the minus strand). VCF-style: chr19-3770763-G-A. GRCh37 (hg19) VCF-style: chr19-3770761-G-A.
Other names: c.413C>T, p.Pro138Leu (NM_032753.4); short protein forms P138L.
Identifiers: ClinVar variation 889122 (VCV000889122.13), dbSNP rs978473853, ClinGen allele CA304416672.